The following is an entry in ClinVar:

NM_025074.7(FRAS1):c.7238T>C (p.Ile2413Thr)

Gene: FRAS1 (Fraser extracellular matrix complex subunit 1; plus strand). Cytogenetic location: 4q21.21.
Variant type: single nucleotide variant.
Coding change: c.7238T>C on transcript NM_025074.7 (MANE Select); coding-DNA position 7238, T replaced by C.
Protein change: p.Ile2413Thr; replaces isoleucine 2413 with threonine.
Molecular consequence: missense variant.
Genome position (GRCh38, 1-based): chr4:78,466,416, T>C. VCF-style: chr4-78466416-T-C. GRCh37 (hg19) VCF-style: chr4-79387570-T-C.
Other names: short protein forms I2413T.
Identifiers: ClinVar variation 904094 (VCV000904094.8), dbSNP rs199596557, ClinGen allele CA2978016.

ClinVar aggregate classification (germline): Uncertain significance. Review status: criteria provided, multiple submitters, no conflicts (2 of 4 stars). 5 submissions from 5 submitters: Uncertain significance (5). Last evaluated 2025-07-29.

Conditions:
Fraser syndrome 1 (FRASRS1). Also called: CRYPTOPHTHALMOS WITH OTHER MALFORMATIONS. Identifiers: Orphanet 2052, MedGen C4551480, MONDO:0054737, OMIM 219000.

Allele frequency attached by ClinVar (database versions not stated): ESP Exome Variant Server 0.00008; gnomAD 0.00021; gnomAD exomes 0.00027 and 0.00033; ExAC 0.00024; TOPMed 0.00026.
gnomAD v4.1: 508 of 1,613,104 alleles (0.031%); highest among the groups gnomAD compares: Admixed American, 0.057%; no homozygotes.

Submissions (5):

GeneDx
Classification: Uncertain significance. Last evaluated: 2025-07-29. Review status: criteria provided, single submitter. Criteria: GeneDx Variant Classification Process June 2021. Collection method: clinical testing. Allele origin: germline. Affected: yes.
Comment: Reported in a proband from a cohort of patients referred for focal and segmental glomerulosclerosis (PMID: 31308072); In silico analysis supports that this missense variant has a deleterious effect on protein structure/function; This variant is associated with the following publications: (PMID: 31308072)

Fulgent Genetics
Classification: Uncertain significance for Fraser syndrome 1. Last evaluated: 2024-05-29. Review status: criteria provided, single submitter. Criteria: ACMG Guidelines, 2015. Collection method: clinical testing. Allele origin: germline.

Blueprint Genetics
Classification: Uncertain significance. Last evaluated: 2023-12-29. Review status: criteria provided, single submitter. Criteria: ACMG Guidelines, 2015. Collection method: clinical testing. Allele origin: germline.

Labcorp Genetics (formerly Invitae), Labcorp
Classification: Uncertain significance. Last evaluated: 2022-08-26. Review status: criteria provided, single submitter. Criteria: Invitae Variant Classification Sherloc (09022015). Collection method: clinical testing. Allele origin: germline.
Comment: This sequence change replaces isoleucine, which is neutral and non-polar, with threonine, which is neutral and polar, at codon 2413 of the FRAS1 protein (p.Ile2413Thr). This variant is present in population databases (rs199596557, gnomAD 0.06%). This variant has not been reported in the literature in individuals affected with FRAS1-related conditions. ClinVar contains an entry for this variant (Variation ID: 904094). Algorithms developed to predict the effect of missense changes on protein structure and function are either unavailable or do not agree on the potential impact of this missense change (SIFT: "Deleterious"; PolyPhen-2: "Benign"; Align-GVGD: "Class C15"). In summary, the available evidence is currently insufficient to determine the role of this variant in disease. Therefore, it has been classified as a Variant of Uncertain Significance.

Illumina Laboratory Services, Illumina
Classification: Uncertain significance for Fraser syndrome 1. Last evaluated: 2018-01-12. Review status: criteria provided, single submitter. Criteria: ICSL Variant Classification Criteria 13 December 2019. Collection method: clinical testing. Allele origin: germline.